The following is an entry in ClinVar:

NM_006662.3(SRCAP):c.4940C>T (p.Pro1647Leu)

Gene: SRCAP (Snf2 related CREBBP activator protein; plus strand). Cytogenetic location: 16p11.2.
Variant type: single nucleotide variant.
Coding change: c.4940C>T on transcript NM_006662.3 (MANE Select); coding-DNA position 4940, C replaced by T.
Protein change: p.Pro1647Leu; replaces proline 1647 with leucine.
Molecular consequence: missense variant.
Genome position (GRCh38, 1-based): chr16:30,724,364, C>T. VCF-style: chr16-30724364-C-T. GRCh37 (hg19) VCF-style: chr16-30735685-C-T.
Other names: short protein forms P1647L.
Identifiers: ClinVar variation 318883 (VCV000318883.12), dbSNP rs200403976, ClinGen allele CA8011861.
Genomic context (GRCh38, chr16:30,724,364, plus strand): 5'-CTCCGGTTCCAGTTATGGCTCCATCGTCTACTCCAGGAACCTCTTTAGCCTCAGCTTCAC[C>T]GGTACCAGCTCCAACCCCTGTGTTGGCTCCATCATCAACTCAAACTATGCTACCAGCCCC-3'
Protein context (NP_006653.2, residues 1637-1657): TPGTSLASAS[Pro1647Leu]VPAPTPVLAP

ClinVar aggregate classification (germline): Conflicting classifications of pathogenicity. Review status: criteria provided, conflicting classifications (1 of 4 stars). 5 submissions from 5 submitters: Uncertain significance (2); Likely benign (3). Last evaluated 2026-06-01.

Conditions:
Inborn genetic diseases. Identifiers: MedGen C0950123, MeSH D030342.
Floating-Harbor syndrome (FLHS). Also called: SRCAP-Related Floating-Harbor Syndrome; Short stature with delayed bone age, expressive language delay, a triangular face with a prominent nose and deep-set eyes; Pelletier-Leisti syndrome. Identifiers: Orphanet 2044, MedGen C0729582, MONDO:0007621, OMIM 136140.
Developmental delay, hypotonia, musculoskeletal defects, and behavioral abnormalities. Identifiers: MedGen C5562012, MONDO:0859202, OMIM 619595.

Allele frequency attached by ClinVar (database versions not stated): ExAC 0.00002; gnomAD exomes 0.00002 and 0.00003; TOPMed 0.00002; gnomAD 0.00006; 1000 Genomes Project 0.00020; 1000 Genomes Project 30x 0.00031.
gnomAD v4.1: 35 of 1,614,168 alleles (0.0022%); highest among the groups gnomAD compares: African/African-American, 0.0093%; no homozygotes.

Submissions (5):

CeGaT Center for Human Genetics Tuebingen
Classification: Likely benign. Last evaluated: 2026-06-01. Review status: criteria provided, single submitter. Criteria: CeGaT Center For Human Genetics Tuebingen Variant Classification Criteria Version 2. Collection method: clinical testing. Allele origin: germline. Affected: yes. Observed: 1 variant allele.
Comment: SRCAP: BP4

Labcorp Genetics (formerly Invitae), Labcorp
Classification: Uncertain significance. Last evaluated: 2026-01-27. Review status: criteria provided, single submitter. Criteria: Invitae Variant Classification Sherloc (09022015). Collection method: clinical testing. Allele origin: germline.
Comment: This sequence change replaces proline, which is neutral and non-polar, with leucine, which is neutral and non-polar, at codon 1647 of the SRCAP protein (p.Pro1647Leu). This variant is present in population databases (rs200403976, gnomAD 0.02%). This variant has not been reported in the literature in individuals affected with SRCAP-related conditions. ClinVar contains an entry for this variant (Variation ID: 318883). Invitae Evidence Modeling of protein sequence and biophysical properties (such as structural, functional, and spatial information, amino acid conservation, physicochemical variation, residue mobility, and thermodynamic stability) indicates that this missense variant is not expected to disrupt SRCAP protein function with a negative predictive value of 80%. In summary, the available evidence is currently insufficient to determine the role of this variant in disease. Therefore, it has been classified as a Variant of Uncertain Significance.

Fulgent Genetics
Classification: Likely benign for Floating-Harbor syndrome; Developmental delay, hypotonia, musculoskeletal defects, and behavioral abnormalities. Last evaluated: 2024-04-27. Review status: criteria provided, single submitter. Criteria: ACMG Guidelines, 2015. Collection method: clinical testing. Allele origin: germline.

Ambry Genetics
Classification: Likely benign for Inborn genetic diseases. Last evaluated: 2022-04-07. Review status: criteria provided, single submitter. Criteria: Ambry Variant Classification Scheme 2023. Collection method: clinical testing. Allele origin: germline.

Eurofins Ntd Llc (ga)
Classification: Uncertain significance. Last evaluated: 2016-11-08. Review status: criteria provided, single submitter. Criteria: EGL Classification Definitions 2015. Collection method: clinical testing. Allele origin: germline. Observed: 1 variant allele, 1 heterozygote.